The following is an entry in ClinVar:

ClinVar aggregate classification (germline): Uncertain significance (1 of 4 stars; one submission).

Submission:

GeneDx
Classification: Uncertain significance. Last evaluated: 2025-03-25. Review status: criteria provided, single submitter. Criteria: GeneDx Variant Classification Process June 2021. Collection method: clinical testing. Allele origin: germline. Affected: yes.
Comment: Not observed at significant frequency in large population cohorts (gnomAD); In silico analysis indicates that this missense variant does not alter protein structure/function; Has not been previously published as pathogenic or benign to our knowledge; This variant is associated with the following publications: (PMID: 25641508)

NM_001278116.2(L1CAM):c.546C>G (p.Asp182Glu)

Gene: L1CAM (L1 cell adhesion molecule; minus strand). Cytogenetic location: Xq28.
Variant type: single nucleotide variant.
Coding change: c.546C>G on transcript NM_001278116.2 (MANE Select); coding-DNA position 546, C replaced by G.
Protein change: p.Asp182Glu; replaces aspartic acid 182 with glutamic acid.
Molecular consequence: missense variant.
Genome position (GRCh38, 1-based): chrX:153,870,938, G>C on the plus strand (C>G on the coding strand, the complement: L1CAM is on the minus strand). VCF-style: chrX-153870938-G-C. GRCh37 (hg19) VCF-style: chrX-153136393-G-C.
Other names: c.546C>G, p.Asp182Glu (NM_000425.5, NM_024003.3); c.531C>G, p.Asp177Glu (NM_001143963.2); short protein forms D177E, D182E.
Identifiers: ClinVar variation 4087977 (VCV004087977.1).